The following is an entry in ClinVar:

NM_004360.5(CDH1):c.2069G>A (p.Gly690Glu)

Gene: CDH1 (cadherin 1; plus strand). Cytogenetic location: 16q22.1.
Variant type: single nucleotide variant.
Coding change: c.2069G>A on transcript NM_004360.5 (MANE Select); coding-DNA position 2069, G replaced by A.
Protein change: p.Gly690Glu; replaces glycine 690 with glutamic acid.
Molecular consequence: missense variant.
Genome position (GRCh38, 1-based): chr16:68,823,531, G>A. VCF-style: chr16-68823531-G-A. GRCh37 (hg19) VCF-style: chr16-68857434-G-A.
Other names: c.1886G>A, p.Gly629Glu (NM_001317184.2); c.521G>A, p.Gly174Glu (NM_001317185.2); c.104G>A, p.Gly35Glu (NM_001317186.2); short protein forms G35E, G174E, G690E, G629E.
Identifiers: ClinVar variation 850019 (VCV000850019.11), dbSNP rs1272471005, ClinGen allele CA396467793.

ClinVar aggregate classification (germline): Uncertain significance. Review status: criteria provided, multiple submitters, no conflicts (2 of 4 stars). 2 submissions from 2 submitters: Uncertain significance (2). Last evaluated 2024-12-21.

Conditions:
Hereditary cancer-predisposing syndrome. Also called: Neoplastic Syndromes, Hereditary; Hereditary Cancer Syndrome; Hereditary neoplastic syndrome; Tumor predisposition. Identifiers: Orphanet 140162, MedGen C0027672, MeSH D009386, MONDO:0015356.
Hereditary diffuse gastric adenocarcinoma (HDGC). Also called: DIFFUSE GASTRIC AND LOBULAR BREAST CANCER SYNDROME. Identifiers: Orphanet 26106, MedGen C1708349, MONDO:0007648, OMIM 137215.

Allele frequency attached by ClinVar (database versions not stated): gnomAD exomes below 0.00001; TOPMed below 0.00001.
gnomAD v4.1: 1 of 1,614,040 alleles (0.000062%); highest among the groups gnomAD compares: Non-Finnish European, 0.000085%; no homozygotes.

Submissions (2):

Labcorp Genetics (formerly Invitae), Labcorp
Classification: Uncertain significance for Hereditary diffuse gastric adenocarcinoma. Last evaluated: 2024-12-21. Review status: criteria provided, single submitter. Criteria: Invitae Variant Classification Sherloc (09022015). Collection method: clinical testing. Allele origin: germline.
Comment: This sequence change replaces glycine, which is neutral and non-polar, with glutamic acid, which is acidic and polar, at codon 690 of the CDH1 protein (p.Gly690Glu). This variant is present in population databases (no rsID available, gnomAD 0.0009%). This variant has not been reported in the literature in individuals affected with CDH1-related conditions. ClinVar contains an entry for this variant (Variation ID: 850019). An algorithm developed to predict the effect of missense changes on protein structure and function (PolyPhen-2) suggests that this variant is likely to be disruptive. In summary, the available evidence is currently insufficient to determine the role of this variant in disease. Therefore, it has been classified as a Variant of Uncertain Significance.

Ambry Genetics
Classification: Uncertain significance for Hereditary cancer-predisposing syndrome. Last evaluated: 2024-09-02. Review status: criteria provided, single submitter. Criteria: Ambry Variant Classification Scheme 2023. Collection method: clinical testing. Allele origin: germline.
Comment: The p.G690E variant (also known as c.2069G>A), located in coding exon 13 of the CDH1 gene, results from a G to A substitution at nucleotide position 2069. The glycine at codon 690 is replaced by glutamic acid, an amino acid with similar properties. This amino acid position is highly conserved in available vertebrate species. In addition, the in silico prediction for this alteration is inconclusive. Since supporting evidence is limited at this time, the clinical significance of this alteration remains unclear.